The following is an entry in ClinVar:

NM_001379286.1(ZNF423):c.2081T>C (p.Met694Thr)

Gene: ZNF423 (zinc finger protein 423; minus strand). Cytogenetic location: 16q12.1.
Variant type: single nucleotide variant.
Coding change: c.2081T>C on transcript NM_001379286.1 (MANE Select); coding-DNA position 2081, T replaced by C.
Protein change: p.Met694Thr; replaces methionine 694 with threonine.
Molecular consequence: missense variant.
Genome position (GRCh38, 1-based): chr16:49,637,095, A>G on the plus strand (T>C on the coding strand, the complement: ZNF423 is on the minus strand). VCF-style: chr16-49637095-A-G. GRCh37 (hg19) VCF-style: chr16-49671006-A-G.
Other names: c.1877T>C, p.Met626Thr (NM_001271620.2); c.1706T>C, p.Met569Thr (NM_001330533.2); c.2057T>C, p.Met686Thr (NM_015069.5); short protein forms M686T, M569T, M626T, M694T.
Identifiers: ClinVar variation 1996073 (VCV001996073.4), dbSNP rs1223341363, ClinGen allele CA395844372.

ClinVar aggregate classification (germline): Uncertain significance (1 of 4 stars; one submission).

Conditions:
Nephronophthisis 14 (NPHP14). Identifiers: Orphanet 2318, MedGen C3539071, MONDO:0013916, OMIM 614844.

Submission:

Labcorp Genetics (formerly Invitae), Labcorp
Classification: Uncertain significance for Nephronophthisis 14. Last evaluated: 2022-05-18. Review status: criteria provided, single submitter. Criteria: Invitae Variant Classification Sherloc (09022015). Collection method: clinical testing. Allele origin: germline.
Comment: This sequence change replaces methionine, which is neutral and non-polar, with threonine, which is neutral and polar, at codon 686 of the ZNF423 protein (p.Met686Thr). This variant is not present in population databases (gnomAD no frequency). This variant has not been reported in the literature in individuals affected with ZNF423-related conditions. Algorithms developed to predict the effect of missense changes on protein structure and function output the following: SIFT: "Tolerated"; PolyPhen-2: "Benign"; Align-GVGD: "Class C0". The threonine amino acid residue is found in multiple mammalian species, which suggests that this missense change does not adversely affect protein function. In summary, the available evidence is currently insufficient to determine the role of this variant in disease. Therefore, it has been classified as a Variant of Uncertain Significance.